The following is an entry in ClinVar:

NM_015335.5(MED13L):c.2255G>C (p.Gly752Ala)

Gene: MED13L (mediator complex subunit 13L; minus strand). Cytogenetic location: 12q24.21.
Variant type: single nucleotide variant.
Coding change: c.2255G>C on transcript NM_015335.5 (MANE Select); coding-DNA position 2255, G replaced by C.
Protein change: p.Gly752Ala; replaces glycine 752 with alanine.
Molecular consequence: missense variant.
Genome position (GRCh38, 1-based): chr12:116,006,395, C>G on the plus strand (G>C on the coding strand, the complement: MED13L is on the minus strand). VCF-style: chr12-116006395-C-G. GRCh37 (hg19) VCF-style: chr12-116444200-C-G.
Other names: short protein forms G752A.
Identifiers: ClinVar variation 2643369 (VCV002643369.24), dbSNP rs1337705540, ClinGen allele CA386893632.

ClinVar aggregate classification (germline): Uncertain significance (1 of 4 stars; one submission).

Allele frequency attached by ClinVar (database versions not stated): gnomAD 0.00001.
gnomAD v4.1: 1 of 1,613,678 alleles (0.000062%); highest among the groups gnomAD compares: Non-Finnish European, 0.000085%; no homozygotes.

Submission:

CeGaT Center for Human Genetics Tuebingen
Classification: Uncertain significance. Last evaluated: 2022-03-01. Review status: criteria provided, single submitter. Criteria: CeGaT Center For Human Genetics Tuebingen Variant Classification Criteria Version 2. Collection method: clinical testing. Allele origin: germline. Affected: yes. Observed: 1 variant allele.
Comment: MED13L: PM2:Supporting, PP2